The following is an entry in ClinVar:

ClinVar aggregate classification (germline): Likely benign. Review status: criteria provided, single submitter (1 of 4 stars). 2 submissions from 2 submitters: Likely benign (1). 1 of the submissions does not count toward it. Last evaluated 2025-11-25.

Conditions:
Frontotemporal dementia and/or amyotrophic lateral sclerosis 1 (FTDALS1). Also called: C9orf72 Frontotemporal Dementia and/or Amyotrophic Lateral Sclerosis; Frontotemporal dementia with motor neuron disease 1. Identifiers: Orphanet 275872, MedGen C5779877, MONDO:0007105, OMIM 105550.
Paget disease of bone 2, early-onset (PDB2). Also called: Paget disease of bone 2. Identifiers: MedGen C4085251, MONDO:0011183, OMIM 602080.
SQSTM1-related disorder. Also called: SQSTM1-Related Disorders.

Allele frequency attached by ClinVar (database versions not stated): gnomAD 0.00003; TOPMed 0.00003; ExAC 0.00012; ESP Exome Variant Server 0.00015; 1000 Genomes Project 30x 0.00016; 1000 Genomes Project 0.00020.
gnomAD v4.1: 55 of 1,613,870 alleles (0.0034%); highest among the groups gnomAD compares: South Asian, 0.026%; 1 homozygote.

Submissions (2):

Labcorp Genetics (formerly Invitae), Labcorp
Classification: Likely benign for Paget disease of bone 2, early-onset; Frontotemporal dementia and/or amyotrophic lateral sclerosis 1. Last evaluated: 2025-11-25. Review status: criteria provided, single submitter. Criteria: Invitae Variant Classification Sherloc (09022015). Collection method: clinical testing. Allele origin: germline.

PreventionGenetics, part of Exact Sciences
Classification: Likely benign for SQSTM1-related condition. Last evaluated: 2022-12-07. Review status: no assertion criteria provided. Collection method: clinical testing. Allele origin: germline. Not counted in ClinVar's aggregate classification.
Comment: This variant is classified as likely benign based on ACMG/AMP sequence variant interpretation guidelines (Richards et al. 2015 PMID: 25741868, with internal and published modifications).

NM_003900.5(SQSTM1):c.579C>T (p.Phe193=)

Gene: SQSTM1 (sequestosome 1; plus strand). Cytogenetic location: 5q35.3.
Variant type: single nucleotide variant.
Coding change: c.579C>T on transcript NM_003900.5 (MANE Select); coding-DNA position 579, C replaced by T.
Protein change: p.Phe193=; no amino-acid change (phenylalanine 193 retained).
Molecular consequence: synonymous variant.
Genome position (GRCh38, 1-based): chr5:179,824,229, C>T. VCF-style: chr5-179824229-C-T. GRCh37 (hg19) VCF-style: chr5-179251229-C-T.
Other names: c.579C>T (NM_003900.4); c.327C>T, p.Phe109= (NM_001142298.2, NM_001142299.2).
Identifiers: ClinVar variation 2196098 (VCV002196098.6), dbSNP rs527602, ClinGen allele CA3600572.
Genomic context (GRCh38, chr5:179,824,229, plus strand): 5'-ATTCCTCCCCCAGGGCTTCTCGCACAGCCGCTGGCTCCGGAAGGTGAAACACGGACACTT[C>T]GGGTGGCCAGGATGGGAAATGGGTCCACCAGGAAACTGGAGCCCACGTCCTCCTCGTGCA-3'
Protein context (NP_003891.1, residues 183-203): RWLRKVKHGH[Phe193=]GWPGWEMGPP